The following is an entry in ClinVar:

ClinVar aggregate classification (germline): Uncertain significance. Review status: criteria provided, multiple submitters, no conflicts (2 of 4 stars). 2 submissions from 2 submitters: Uncertain significance (2). Last evaluated 2025-06-03.

Allele frequency attached by ClinVar (database versions not stated): gnomAD 0.00003; TOPMed 0.00001; gnomAD exomes 0.00002.
gnomAD v4.1: 38 of 1,612,936 alleles (0.0024%); highest among the groups gnomAD compares: Non-Finnish European, 0.0031%; no homozygotes.

Submissions (2):

Ambry Genetics
Classification: Uncertain significance. Last evaluated: 2025-06-03. Review status: criteria provided, single submitter. Criteria: Ambry Variant Classification Scheme 2023. Collection method: clinical testing. Allele origin: germline.

Labcorp Genetics (formerly Invitae), Labcorp
Classification: Uncertain significance. Last evaluated: 2022-08-05. Review status: criteria provided, single submitter. Criteria: Invitae Variant Classification Sherloc (09022015). Collection method: clinical testing. Allele origin: germline.
Comment: This sequence change replaces arginine, which is basic and polar, with tryptophan, which is neutral and slightly polar, at codon 593 of the C2 protein (p.Arg593Trp). This variant is present in population databases (no rsID available, gnomAD 0.003%). This variant has not been reported in the literature in individuals affected with C2-related conditions. Algorithms developed to predict the effect of missense changes on protein structure and function (SIFT, PolyPhen-2, Align-GVGD) all suggest that this variant is likely to be disruptive. In summary, the available evidence is currently insufficient to determine the role of this variant in disease. Therefore, it has been classified as a Variant of Uncertain Significance.

NM_000063.6(C2):c.1777C>T (p.Arg593Trp)

Gene: C2 (complement C2; plus strand). Cytogenetic location: 6p21.33.
Variant type: single nucleotide variant.
Coding change: c.1777C>T on transcript NM_000063.6 (MANE Select); coding-DNA position 1777, C replaced by T.
Protein change: p.Arg593Trp; replaces arginine 593 with tryptophan.
Molecular consequence: missense variant.
Genome position (GRCh38, 1-based): chr6:31,943,960, C>T. VCF-style: chr6-31943960-C-T. GRCh37 (hg19) VCF-style: chr6-31911737-C-T.
Other names: c.1381C>T, p.Arg461Trp (NM_001145903.3); c.1135C>T, p.Arg379Trp (NM_001178063.3); c.1039C>T, p.Arg347Trp (NM_001282457.2); c.1690C>T, p.Arg564Trp (NM_001282458.2); short protein forms R347W, R379W, R461W, R564W, R593W.
Identifiers: ClinVar variation 2187687 (VCV002187687.3), dbSNP rs1277447428, ClinGen allele CA363380763.